The following is an entry in ClinVar:

ClinVar aggregate classification (germline): Uncertain significance. Review status: criteria provided, multiple submitters, no conflicts (2 of 4 stars). 3 submissions from 3 submitters: Uncertain significance (3). Last evaluated 2025-09-13.

Allele frequency attached by ClinVar (database versions not stated): gnomAD exomes below 0.00001.
gnomAD v4.1: 2 of 1,613,018 alleles (0.00012%); highest among the groups gnomAD compares: African/African-American, 0.0027%; no homozygotes.

Submissions (3):

Labcorp Genetics (formerly Invitae), Labcorp
Classification: Uncertain significance. Last evaluated: 2025-09-13. Review status: criteria provided, single submitter. Criteria: Invitae Variant Classification Sherloc (09022015). Collection method: clinical testing. Allele origin: germline.
Comment: This sequence change replaces glutamine, which is neutral and polar, with histidine, which is basic and polar, at codon 247 of the RGR protein (p.Gln247His). This variant is not present in population databases (gnomAD no frequency). This variant has not been reported in the literature in individuals affected with RGR-related conditions. ClinVar contains an entry for this variant (Variation ID: 1498261). Experimental studies and prediction algorithms are not available or were not evaluated, and the functional significance of this variant is currently unknown. In summary, the available evidence is currently insufficient to determine the role of this variant in disease. Therefore, it has been classified as a Variant of Uncertain Significance.

Blueprint Genetics
Classification: Uncertain significance. Last evaluated: 2024-07-02. Review status: criteria provided, single submitter. Criteria: ACMG Guidelines, 2015. Collection method: clinical testing. Allele origin: germline.

Ambry Genetics
Classification: Uncertain significance. Last evaluated: 2023-02-15. Review status: criteria provided, single submitter. Criteria: Ambry Variant Classification Scheme 2023. Collection method: clinical testing. Allele origin: germline.

NM_001012720.2(RGR):c.741G>C (p.Gln247His)

Gene: RGR (retinal G protein coupled receptor; plus strand). Cytogenetic location: 10q23.1.
Variant type: single nucleotide variant.
Coding change: c.741G>C on transcript NM_001012720.2 (MANE Select); coding-DNA position 741, G replaced by C.
Protein change: p.Gln247His; replaces glutamine 247 with histidine.
Molecular consequence: missense variant. On other transcripts: intron variant (1).
Genome position (GRCh38, 1-based): chr10:84,258,003, G>C. VCF-style: chr10-84258003-G-C. GRCh37 (hg19) VCF-style: chr10-86017759-G-C.
Other names: c.753G>C, p.Gln251His (NM_002921.4); c.631-505G>C (NM_001012722.2); c.741G>C (NM_001012720.1); short protein forms Q247H, Q251H.
Identifiers: ClinVar variation 1498261 (VCV001498261.11), dbSNP rs1842909346, ClinGen allele CA377392263.